The following is an entry in ClinVar:

ClinVar aggregate classification (germline): Uncertain significance (1 of 4 stars; one submission).

Conditions:
RFT1-congenital disorder of glycosylation (CDG1N). Also called: CDG In; Congenital disorder of glycosylation type In; RFT1-CDG. Identifiers: Orphanet 244310, MedGen C2677590, MONDO:0012783, OMIM 612015.

Allele frequency attached by ClinVar (database versions not stated): TOPMed below 0.00001; gnomAD 0.00001; ESP Exome Variant Server 0.00008.
gnomAD v4.1: 5 of 1,611,228 alleles (0.00031%); highest among the groups gnomAD compares: East Asian, 0.0022%; no homozygotes.

Submission:

Labcorp Genetics (formerly Invitae), Labcorp
Classification: Uncertain significance for RFT1-congenital disorder of glycosylation. Last evaluated: 2022-11-02. Review status: criteria provided, single submitter. Criteria: Invitae Variant Classification Sherloc (09022015). Collection method: clinical testing. Allele origin: germline.
Comment: ClinVar contains an entry for this variant (Variation ID: 1367121). This sequence change replaces valine, which is neutral and non-polar, with methionine, which is neutral and non-polar, at codon 22 of the RFT1 protein (p.Val22Met). This variant is present in population databases (rs374252619, gnomAD 0.002%). This variant has not been reported in the literature in individuals affected with RFT1-related conditions. Algorithms developed to predict the effect of missense changes on protein structure and function are either unavailable or do not agree on the potential impact of this missense change (SIFT: "Deleterious"; PolyPhen-2: "Probably Damaging"; Align-GVGD: "Class C0"). In summary, the available evidence is currently insufficient to determine the role of this variant in disease. Therefore, it has been classified as a Variant of Uncertain Significance.

NM_052859.4(RFT1):c.64G>A (p.Val22Met)

Gene: RFT1 (RFT1 glycolipid translocator homolog; minus strand). Cytogenetic location: 3p21.1.
Variant type: single nucleotide variant.
Coding change: c.64G>A on transcript NM_052859.4 (MANE Select); coding-DNA position 64, G replaced by A.
Protein change: p.Val22Met; replaces valine 22 with methionine.
Molecular consequence: missense variant.
Genome position (GRCh38, 1-based): chr3:53,125,994, C>T on the plus strand (G>A on the coding strand, the complement: RFT1 is on the minus strand). VCF-style: chr3-53125994-C-T. GRCh37 (hg19) VCF-style: chr3-53160010-C-T.
Other names: short protein forms V22M.
Identifiers: ClinVar variation 1367121 (VCV001367121.7), dbSNP rs374252619, ClinGen allele CA2451561.
Genomic context (GRCh38, chr3:53,125,994, plus strand): 5'-CCTTTGACAGGAAGCGAAGAATAAATGCATTCAAGACAAAGGTGATCAACCGAAACAACA[C>T]CTATAGAAAAAGAGGAAAAATACGTAAGAATAAATGACGTTAGAAGTGTTTACTTAGCTG-3'
Protein context (NP_443091.1, residues 12-32): RLASSGLLLQ[Val22Met]LFRLITFVLN